The following is an entry in ClinVar:

NM_194248.3(OTOF):c.2520C>T (p.Asp840=)

Gene: OTOF (otoferlin; minus strand). Cytogenetic location: 2p23.3.
Variant type: single nucleotide variant.
Coding change: c.2520C>T on transcript NM_194248.3 (MANE Select); coding-DNA position 2520, C replaced by T.
Protein change: p.Asp840=; no amino-acid change (aspartic acid 840 retained).
Molecular consequence: synonymous variant.
Genome position (GRCh38, 1-based): chr2:26,477,175, G>A on the plus strand (C>T on the coding strand, the complement: OTOF is on the minus strand). VCF-style: chr2-26477175-G-A. GRCh37 (hg19) VCF-style: chr2-26700043-G-A.
Other names: c.2520C>T, p.Asp840= (NM_001287489.2); c.279C>T, p.Asp93= (NM_004802.4, NM_194323.3); c.450C>T, p.Asp150= (NM_194322.3).
Identifiers: ClinVar variation 227752 (VCV000227752.13), dbSNP rs147061068, ClinGen allele CA1563884.
Genomic context (GRCh38, chr2:26,477,175, plus strand): 5'-AGGGGCCCCAGAGAGCCAGCCCTGGATGAGGCAAAGCCCCGACCCCTTGGGCCGCACCTC[G>A]TCCGCCAGGAAGCGCAGCTTCTGCAGGAAGTTCTGGCACAGCCTCAGCTTGTCCCGCACC-3'
Protein context (NP_919224.1, residues 830-850): NFLQKLRFLA[Asp840=]EPQHSIPDIF

ClinVar aggregate classification (germline): Likely benign. Review status: criteria provided, multiple submitters, no conflicts (2 of 4 stars). 3 submissions from 3 submitters: Likely benign (3). Last evaluated 2025-11-24.

Conditions:
OTOF-related disorder. Also called: OTOF-related condition.

Allele frequency attached by ClinVar (database versions not stated): gnomAD 0.00003 and 0.00004; TOPMed 0.00005; ESP Exome Variant Server 0.00008; ExAC 0.00013.
gnomAD v4.1: 104 of 1,609,588 alleles (0.0065%); highest among the groups gnomAD compares: Admixed American, 0.012%; no homozygotes.

Submissions (3):

PreventionGenetics, part of Exact Sciences
Classification: Likely benign for OTOF-related condition. Last evaluated: 2025-11-24. Review status: criteria provided, single submitter. Criteria: ACMG Guidelines, 2015. Collection method: clinical testing. Allele origin: germline.
Comment: This variant is classified as likely benign based on ACMG/AMP sequence variant interpretation guidelines (Richards et al. 2015 PMID: 25741868, with internal and published modifications).

Labcorp Genetics (formerly Invitae), Labcorp
Classification: Likely benign. Last evaluated: 2024-10-30. Review status: criteria provided, single submitter. Criteria: Invitae Variant Classification Sherloc (09022015). Collection method: clinical testing. Allele origin: germline.

Laboratory for Molecular Medicine, Mass General Brigham Personalized Medicine
Classification: Likely benign. Last evaluated: 2015-07-30. Review status: criteria provided, single submitter. Criteria: LMM Criteria. Collection method: clinical testing. Allele origin: germline. Observed: 1 variant allele.
Comment: p.Asp840Asp in Exon 21 of OTOF: This variant is not expected to have clinical si gnificance because it does not alter an amino acid residue, is not located withi n the splice consensus sequence, and has been identified in 11/ 57550 of Europe an (Non-Finnish) chromosomes by the Exome Aggregation Consortium (ExAC; dbSNP rs147061068).